The following is an entry in ClinVar:

ClinVar aggregate classification (germline): Conflicting classifications of pathogenicity. Review status: criteria provided, conflicting classifications (1 of 4 stars). 3 submissions from 3 submitters: Uncertain significance (1); Likely benign (1). 1 of the submissions does not count toward it. Last evaluated 2025-07-03.

Conditions:
Activated PI3K-delta syndrome. Identifiers: Orphanet 397596, MedGen C3714976, MONDO:0018338.
SHORT syndrome. Also called: SHORT STATURE, HYPEREXTENSIBILITY, HERNIA, OCULAR DEPRESSION, RIEGER ANOMALY, AND TEETHING DELAY; LIPODYSTROPHY, PARTIAL, WITH RIEGER ANOMALY AND SHORT STATURE; PIK3R1-Related SHORT Syndrome. Identifiers: Orphanet 3163, MedGen C0878684, MONDO:0010026, OMIM 269880.
Agammaglobulinemia 7, autosomal recessive (AGM7). Also called: AGAMMAGLOBULINEMIA, AUTOSOMAL RECESSIVE, DUE TO PIK3R1 DEFECT. Identifiers: MedGen C3554689, MONDO:0014083, OMIM 615214.
Immunodeficiency 36 with lymphoproliferation. Also called: Immunodeficiency 36; ACTIVATED PI3K-DELTA SYNDROME 2; Activated PI3K Delta Syndrome Type 2 (APDS2). Identifiers: Orphanet 397596, Orphanet 693681, MedGen C4014934, MONDO:0014453, OMIM 616005.

gnomAD v4.1: 14 of 1,613,904 alleles (0.00087%); highest among the groups gnomAD compares: Non-Finnish European, 0.00085%; no homozygotes.

Submissions (3):

Labcorp Genetics (formerly Invitae), Labcorp
Classification: Uncertain significance for SHORT syndrome; Immunodeficiency 36 with lymphoproliferation; Agammaglobulinemia 7, autosomal recessive. Last evaluated: 2025-07-03. Review status: criteria provided, single submitter. Criteria: Invitae Variant Classification Sherloc (09022015). Collection method: clinical testing. Allele origin: germline.
Comment: This sequence change replaces leucine, which is neutral and non-polar, with valine, which is neutral and non-polar, at codon 115 of the PIK3R1 protein (p.Leu115Val). This variant is present in population databases (no rsID available, gnomAD 0.004%). This variant has not been reported in the literature in individuals affected with PIK3R1-related conditions. ClinVar contains an entry for this variant (Variation ID: 1047215). Invitae Evidence Modeling of protein sequence and biophysical properties (such as structural, functional, and spatial information, amino acid conservation, physicochemical variation, residue mobility, and thermodynamic stability) indicates that this missense variant is not expected to disrupt PIK3R1 protein function with a negative predictive value of 80%. In summary, the available evidence is currently insufficient to determine the role of this variant in disease. Therefore, it has been classified as a Variant of Uncertain Significance.

CeGaT Center for Human Genetics Tuebingen
Classification: Likely benign. Last evaluated: 2024-11-01. Review status: criteria provided, single submitter. Criteria: CeGaT Center For Human Genetics Tuebingen Variant Classification Criteria Version 2. Collection method: clinical testing. Allele origin: germline. Affected: yes. Observed: 1 variant allele.
Comment: PIK3R1: BP4

Immunology Clinic, Ucla
Classification: Likely benign for Activated PI3K-delta syndrome. Review status: no assertion criteria provided. Collection method: research. Allele origin: germline, not applicable. Affected: yes. Functional consequence: gain_of_function_variant. Not counted in ClinVar's aggregate classification.
Comment: The PIK3R1 c.343C>G (p.Leu115Val) variant results in a missense substitution of leucine to valine at codon 115. This position lies outside of known functional domains, and the amino acid substitution is conservative in nature. Immunophenotyping showed T follicular helper (TFH) cells at 12.6%, which is within the normal range. Transitional B cells were elevated at 20.1%, though this isolated finding lacks specificity for PIK3R1-related immunodeficiency. Importantly, functional T cell signaling assays demonstrated no increase in phosphorylated Akt (pAkt) upon anti-CD3 stimulation compared to controls, and there was no elevation in baseline phosphorylated S6 (pS6), indicating intact PI3K signaling and no gain-of-function effect. Computational predictions uniformly support a benign effect: AlphaMissense score is 0.09749 (Benign Moderate), SIFT score is 0.078 (Benign Supporting), and REVEL score is 0.154 (Benign Moderate). Taken together, the absence of functional activation in PI3K signaling, normal TFH values, non-specific transitional B cell elevation, and benign computational predictions support classification of PIK3R1 c.343C>G (p.Leu115Val) as Likely Benign

Literature cited by the submitters: PubMed 31031754 (cited by Immunology Clinic, Ucla).

NM_181523.3(PIK3R1):c.343C>G (p.Leu115Val)

Gene: PIK3R1 (phosphoinositide-3-kinase regulatory subunit 1; plus strand). Cytogenetic location: 5q13.1.
Variant type: single nucleotide variant.
Coding change: c.343C>G on transcript NM_181523.3 (MANE Select); coding-DNA position 343, C replaced by G.
Protein change: p.Leu115Val; replaces leucine 115 with valine.
Molecular consequence: missense variant.
Genome position (GRCh38, 1-based): chr5:68,273,398, C>G. VCF-style: chr5-68273398-C-G. GRCh37 (hg19) VCF-style: chr5-67569226-C-G.
Other names: short protein forms L115V.
Identifiers: ClinVar variation 1047215 (VCV001047215.23), dbSNP rs763574306, ClinGen allele CA359872525.